The following is an entry in ClinVar:

NM_001201543.2(FAM161A):c.1945G>A (p.Gly649Arg)

Gene: FAM161A (FAM161 centrosomal protein A; minus strand). Cytogenetic location: 2p15.
Variant type: single nucleotide variant.
Coding change: c.1945G>A on transcript NM_001201543.2 (MANE Select); coding-DNA position 1945, G replaced by A.
Protein change: p.Gly649Arg; replaces glycine 649 with arginine.
Molecular consequence: missense variant. On other transcripts: non-coding transcript variant (1).
Genome position (GRCh38, 1-based): chr2:61,827,165, C>T on the plus strand (G>A on the coding strand, the complement: FAM161A is on the minus strand). VCF-style: chr2-61827165-C-T. GRCh37 (hg19) VCF-style: chr2-62054300-C-T.
Other names: c.1777G>A, p.Gly593Arg (NM_032180.3); short protein forms G593R, G649R.
Identifiers: ClinVar variation 2020599 (VCV002020599.1), dbSNP rs2465984596, ClinGen allele CA346984640.

ClinVar aggregate classification (germline): Uncertain significance (1 of 4 stars; one submission).

Submission:

Labcorp Genetics (formerly Invitae), Labcorp
Classification: Uncertain significance. Last evaluated: 2021-12-27. Review status: criteria provided, single submitter. Criteria: Invitae Variant Classification Sherloc (09022015). Collection method: clinical testing. Allele origin: germline.
Comment: This sequence change replaces glycine, which is neutral and non-polar, with arginine, which is basic and polar, at codon 649 of the FAM161A protein (p.Gly649Arg). This variant is not present in population databases (gnomAD no frequency). This variant has not been reported in the literature in individuals affected with FAM161A-related conditions. Algorithms developed to predict the effect of missense changes on protein structure and function output the following: SIFT: "Tolerated"; PolyPhen-2: "Benign"; Align-GVGD: "Class C0". The arginine amino acid residue is found in multiple mammalian species, which suggests that this missense change does not adversely affect protein function. In summary, the available evidence is currently insufficient to determine the role of this variant in disease. Therefore, it has been classified as a Variant of Uncertain Significance.